The following is an entry in ClinVar:

NM_001042492.3(NF1):c.1642-7A>G

Gene: NF1 (neurofibromin 1; plus strand). Cytogenetic location: 17q11.2.
Variant type: single nucleotide variant.
Coding change: c.1642-7A>G on transcript NM_001042492.3 (MANE Select); 7 bases into the intron before coding-DNA position 1642, A replaced by G.
Molecular consequence: intron variant.
Genome position (GRCh38, 1-based): chr17:31,221,843, A>G. VCF-style: chr17-31221843-A-G. GRCh37 (hg19) VCF-style: chr17-29548861-A-G.
Other names: c.1642-7A>G (NM_000267.4, NM_001128147.3).
Identifiers: ClinVar variation 816756 (VCV000816756.6), dbSNP rs1597706592, ClinGen allele CA915949715.

ClinVar aggregate classification (germline): Pathogenic. Review status: criteria provided, multiple submitters, no conflicts (2 of 4 stars). 2 submissions from 2 submitters: Pathogenic (2). Last evaluated 2024-06-02.

Conditions:
Neurofibromatosis, type 1 (NF1). Also called: Peripheral type neurofibromatosis; Neurofibromatosis, type I; NEUROFIBROMATOSIS, TYPE I, SOMATIC; VON RECKLINGHAUSEN DISEASE. Identifiers: Orphanet 636, MedGen C0027831, MONDO:0018975, OMIM 162200. Disease mechanism: loss of function.

Submissions (2):

Labcorp Genetics (formerly Invitae), Labcorp
Classification: Pathogenic for Neurofibromatosis, type 1. Last evaluated: 2024-06-02. Review status: criteria provided, single submitter. Criteria: Invitae Variant Classification Sherloc (09022015). Collection method: clinical testing. Allele origin: germline.
Comment: This sequence change falls in intron 14 of the NF1 gene. It does not directly change the encoded amino acid sequence of the NF1 protein. RNA analysis indicates that this variant induces altered splicing and likely results in the gain of 2 amino acid residue(s), but is expected to preserve the integrity of the reading-frame. This variant is not present in population databases (gnomAD no frequency). This variant has been observed in individual(s) with neurofibromatosis type 1 (PMID: 17726231, 29673180, 31031587, 32126153; Invitae). ClinVar contains an entry for this variant (Variation ID: 816756). Studies have shown that this variant results in the activation of a cryptic splice site in intron 14 (PMID: 29673180, 32126153). For these reasons, this variant has been classified as Pathogenic.

UAB Medical Genomics Laboratory, UAB Medicine
Classification: Pathogenic for Neurofibromatosis, type 1. Last evaluated: 2020-01-20. Review status: criteria provided, single submitter. Criteria: ACMG Guidelines, 2015. Collection method: clinical testing. Allele origin: germline. Affected: yes.

Literature cited by the submitters: PubMed 17726231 (cited by Labcorp Genetics (formerly Invitae), Labcorp); PubMed 29673180 (cited by Labcorp Genetics (formerly Invitae), Labcorp); PubMed 31031587 (cited by Labcorp Genetics (formerly Invitae), Labcorp); PubMed 32126153 (cited by Labcorp Genetics (formerly Invitae), Labcorp and UAB Medical Genomics Laboratory, UAB Medicine).